The following is an entry in ClinVar:

ClinVar aggregate classification (germline): Pathogenic (1 of 4 stars; one submission).

Conditions:
Dilated cardiomyopathy 1KK (CMD1KK). Identifiers: Orphanet 154, Orphanet 75249, MedGen C3714995, MONDO:0014100, OMIM 615248.

Submission:

Labcorp Genetics (formerly Invitae), Labcorp
Classification: Pathogenic for Dilated cardiomyopathy 1KK. Last evaluated: 2026-01-26. Review status: criteria provided, single submitter. Criteria: Invitae Variant Classification Sherloc (09022015). Collection method: clinical testing. Allele origin: germline.
Comment: This sequence change creates a premature translational stop signal (p.Lys1095*) in the MYPN gene. It is expected to result in an absent or disrupted protein product. Loss-of-function variants in MYPN are known to be pathogenic (PMID: 28017374). This variant is not present in population databases (gnomAD no frequency). This variant has not been reported in the literature in individuals affected with MYPN-related conditions. ClinVar contains an entry for this variant (Variation ID: 3655383). For these reasons, this variant has been classified as Pathogenic.

Literature cited by the submitters: PubMed 28017374.

NM_032578.4(MYPN):c.3282dup (p.Lys1095Ter)

Gene: MYPN (myopalladin; plus strand). Cytogenetic location: 10q21.3.
Variant type: Duplication.
Coding change: c.3282dup on transcript NM_032578.4 (MANE Select); coding-DNA position 3282, one base duplicated (T; older notation c.3282dupT).
Protein change: p.Lys1095Ter; replaces lysine 1095 with a stop codon.
Molecular consequence: nonsense. On other transcripts: non-coding transcript variant (2).
Genome position (GRCh38, 1-based): chr10:68,197,475, T duplicated. VCF-style (leftmost placement, unchanged base first): chr10-68197474-G-GT. GRCh37 (hg19) VCF-style: chr10-69957231-G-GT.
Other names: c.3282dup, p.Lys1095Ter (NM_001256267.2); c.2400dup, p.Lys801Ter (NM_001256268.2); short protein forms K1095*, K801*.
Identifiers: ClinVar variation 3655383 (VCV003655383.2).
Genomic context (GRCh38, chr10:68,197,474, plus strand): 5'-ATTTCCTGCAGGCTCCTGGGGATATGGTAGCTCATGAGGGGCGCCTCTGTCGGCTGGACT[G>GT]TAAGGTAGACTCCAGCACCCATGCTTAGTTCCAGATCTGTTCATATTTTGTATTTGTTTG-3'